The following is an entry in ClinVar:

ClinVar aggregate classification (germline): Uncertain significance (1 of 4 stars; one submission).

Conditions:
Common variable immunodeficiency (CVID). Also called: Common variable hypogamma-globulinemia; Common variable agammaglobulinemia. Identifiers: Orphanet 1572, MedGen C0009447, MONDO:0015517.

Submission:

Labcorp Genetics (formerly Invitae), Labcorp
Classification: Uncertain significance for Common variable immunodeficiency. Last evaluated: 2022-05-06. Review status: criteria provided, single submitter. Criteria: Invitae Variant Classification Sherloc (09022015). Collection method: clinical testing. Allele origin: germline.
Comment: This sequence change replaces aspartic acid, which is acidic and polar, with asparagine, which is neutral and polar, at codon 120 of the TNFSF12 protein (p.Asp120Asn). This variant is not present in population databases (gnomAD no frequency). This variant has not been reported in the literature in individuals affected with TNFSF12-related conditions. Algorithms developed to predict the effect of missense changes on protein structure and function are either unavailable or do not agree on the potential impact of this missense change (SIFT: "Tolerated"; PolyPhen-2: "Possibly Damaging"; Align-GVGD: "Class C0"). In summary, the available evidence is currently insufficient to determine the role of this variant in disease. Therefore, it has been classified as a Variant of Uncertain Significance.

NM_003809.3(TNFSF12):c.358G>A (p.Asp120Asn)

Genes: TNFSF12 (TNF superfamily member 12; plus strand), TNFSF12-TNFSF13 (TNFSF12-TNFSF13 readthrough; plus strand). Cytogenetic location: 17p13.1.
Variant type: single nucleotide variant.
Coding change: c.358G>A on transcript NM_003809.3 (MANE Select); coding-DNA position 358, G replaced by A.
Protein change: p.Asp120Asn; replaces aspartic acid 120 with asparagine.
Molecular consequence: missense variant. On other transcripts: non-coding transcript variant (1).
Genome position (GRCh38, 1-based): chr17:7,550,963, G>A. VCF-style: chr17-7550963-G-A. GRCh37 (hg19) VCF-style: chr17-7454280-G-A.
Other names: c.358G>A, p.Asp120Asn (NM_172089.4); short protein forms D120N.
Identifiers: ClinVar variation 1916900 (VCV001916900.5), dbSNP rs2508319232, ClinGen allele CA397857832.